The following is an entry in ClinVar:

NM_006031.6(PCNT):c.8069T>C (p.Leu2690Pro)

Gene: PCNT (pericentrin; plus strand). Cytogenetic location: 21q22.3.
Variant type: single nucleotide variant.
Coding change: c.8069T>C on transcript NM_006031.6 (MANE Select); coding-DNA position 8069, T replaced by C.
Protein change: p.Leu2690Pro; replaces leucine 2690 with proline.
Molecular consequence: missense variant.
Genome position (GRCh38, 1-based): chr21:46,431,533, T>C. VCF-style: chr21-46431533-T-C. GRCh37 (hg19) VCF-style: chr21-47851447-T-C.
Other names: c.7715T>C, p.Leu2572Pro (NM_001315529.2); short protein forms L2690P, L2572P.
Identifiers: ClinVar variation 4982317 (VCV004982317.1).
Genomic context (GRCh38, chr21:46,431,533, plus strand): 5'-TGTAGACACTTTTCCTCTTGATTCAGTGTCTCCCATCGTATGTGTTTGCTGTCTAGGAGC[T>C]GCGGGCGTCTTTGGAGACACAGCGTGCTCAGAGCAGTCGACTCTGCGTGGCACTGAAACA-3'
Protein context (NP_006022.3, residues 2680-2700): ESQSAKALEE[Leu2690Pro]RASLETQRAQ

ClinVar aggregate classification (germline): Uncertain significance (1 of 4 stars; one submission).

Conditions:
PCNT-related disorder. Also called: PCNT-related condition.

gnomAD v4.1: 1 of 1,614,048 alleles (0.000062%); highest among the groups gnomAD compares: South Asian, 0.0011%; no homozygotes.

Submission:

PreventionGenetics, part of Exact Sciences
Classification: Uncertain significance for PCNT-related condition. Last evaluated: 2025-09-23. Review status: criteria provided, single submitter. Criteria: ACMG Guidelines, 2015. Collection method: clinical testing. Allele origin: germline.
Comment: The PCNT c.8069T>C variant is predicted to result in the amino acid substitution p.Leu2690Pro. To our knowledge, this variant has not been reported in the literature or in a large population database (gnomAD), indicating this variant is rare. At this time, the clinical significance of this variant is uncertain due to the absence of conclusive functional and genetic evidence.